The following is an entry in ClinVar:

ClinVar aggregate classification (germline): Uncertain significance. Review status: criteria provided, multiple submitters, no conflicts (2 of 4 stars). 4 submissions from 4 submitters: Uncertain significance (3). 1 of the submissions does not count toward it. Last evaluated 2025-10-29.

Conditions:
Usher syndrome type 1 (USH1). Also called: RETINITIS PIGMENTOSA AND CONGENITAL DEAFNESS. Identifiers: Orphanet 231169, Orphanet 886, MedGen C1568247, MONDO:0010168, OMIM 276900.
Inborn genetic diseases. Identifiers: MedGen C0950123, MeSH D030342.

Allele frequency attached by ClinVar (database versions not stated): TOPMed 0.00001; gnomAD 0.00003.
gnomAD v4.1: 15 of 1,601,324 alleles (0.00094%); highest among the groups gnomAD compares: Non-Finnish European, 0.0012%; no homozygotes.

Submissions (4):

Ambry Genetics
Classification: Uncertain significance for Inborn genetic diseases. Last evaluated: 2025-10-29. Review status: criteria provided, single submitter. Criteria: Ambry Variant Classification Scheme 2023. Collection method: clinical testing. Allele origin: germline.

Labcorp Genetics (formerly Invitae), Labcorp
Classification: Uncertain significance. Last evaluated: 2021-09-09. Review status: criteria provided, single submitter. Criteria: Invitae Variant Classification Sherloc (09022015). Collection method: clinical testing. Allele origin: germline.
Comment: This sequence change replaces proline with leucine at codon 3336 of the CDH23 protein (p.Pro3336Leu). The proline residue is highly conserved and there is a moderate physicochemical difference between proline and leucine. This variant is not present in population databases (ExAC no frequency). This variant has not been reported in the literature in individuals affected with CDH23-related conditions. ClinVar contains an entry for this variant (Variation ID: 178909). Algorithms developed to predict the effect of missense changes on protein structure and function are either unavailable or do not agree on the potential impact of this missense change (SIFT: "Deleterious"; PolyPhen-2: "Not Available"; Align-GVGD: "Class C0"). In summary, the available evidence is currently insufficient to determine the role of this variant in disease. Therefore, it has been classified as a Variant of Uncertain Significance.

Laboratory for Molecular Medicine, Mass General Brigham Personalized Medicine
Classification: Uncertain significance. Last evaluated: 2013-11-26. Review status: criteria provided, single submitter. Criteria: LMM Criteria. Collection method: clinical testing. Allele origin: germline. Observed: 1 variant allele.
Comment: The Pro3336Leu variant in CDH23 has not been previously reported in individuals with hearing loss. Frequency data from large population studies is insufficient. Computational analyses (biochemical amino acid properties, conservation, AlignG VGD, PolyPhen2, and SIFT) suggest that the Pro3336Leu variant may impact the pro tein, though this information is not predictive enough to determine pathogenicit y. In summary, additional data is needed to determine the clinical significance of this variant.

Natera, Inc.
Classification: Uncertain significance for Usher syndrome type 1. Last evaluated: 2020-09-25. Review status: no assertion criteria provided. Collection method: clinical testing. Allele origin: germline. Not counted in ClinVar's aggregate classification.

NM_022124.6(CDH23):c.10007C>T (p.Pro3336Leu)

Gene: CDH23 (cadherin related 23; plus strand). Cytogenetic location: 10q22.1.
Variant type: single nucleotide variant.
Coding change: c.10007C>T on transcript NM_022124.6 (MANE Select); coding-DNA position 10007, C replaced by T.
Protein change: p.Pro3336Leu; replaces proline 3336 with leucine.
Molecular consequence: missense variant.
Genome position (GRCh38, 1-based): chr10:71,815,220, C>T. VCF-style: chr10-71815220-C-T. GRCh37 (hg19) VCF-style: chr10-73574977-C-T.
Other names: c.3287C>T, p.Pro1096Leu (NM_001171933.1); c.3182C>T, p.Pro1061Leu (NM_001171934.1); c.698C>T, p.Pro233Leu (NM_001171935.1); c.593C>T, p.Pro198Leu (NM_001171936.1); short protein forms P3336L, P233L, P1061L, P198L, P1096L.
Identifiers: ClinVar variation 178909 (VCV000178909.9), dbSNP rs727504532, ClinGen allele CA183286.